The following is an entry in ClinVar:

ClinVar aggregate classification (germline): Benign/Likely benign. Review status: criteria provided, multiple submitters, no conflicts (2 of 4 stars). 4 submissions from 4 submitters: Benign (2); Likely benign (1). 1 of the submissions does not count toward it. Last evaluated 2026-06-01.

Conditions:
NALCN-related disorder. Also called: NALCN-related condition; NALCN-related disorders.

Allele frequency attached by ClinVar (database versions not stated): gnomAD 0.00025 and 0.00068; TOPMed 0.00039; ESP Exome Variant Server 0.00054; gnomAD exomes 0.00150; ExAC 0.00162; 1000 Genomes Project 30x 0.00203; 1000 Genomes Project 0.00220.
gnomAD v4.1: 1,324 of 1,614,048 alleles (0.082%); highest among the groups gnomAD compares: South Asian, 0.88%; 12 homozygotes.

Submissions (4):

CeGaT Center for Human Genetics Tuebingen
Classification: Benign. Last evaluated: 2026-06-01. Review status: criteria provided, single submitter. Criteria: CeGaT Center For Human Genetics Tuebingen Variant Classification Criteria Version 2. Collection method: clinical testing. Allele origin: germline. Affected: yes. Observed: 1 variant allele.
Comment: NALCN: PP2, BP4, BS1, BS2

Labcorp Genetics (formerly Invitae), Labcorp
Classification: Benign. Last evaluated: 2026-01-08. Review status: criteria provided, single submitter. Criteria: Invitae Variant Classification Sherloc (09022015). Collection method: clinical testing. Allele origin: germline.

GeneDx
Classification: Likely benign. Last evaluated: 2020-06-09. Review status: criteria provided, single submitter. Criteria: GeneDx Variant Classification Process June 2021. Collection method: clinical testing. Allele origin: germline. Affected: yes.

PreventionGenetics, part of Exact Sciences
Classification: Benign for NALCN-related condition. Last evaluated: 2024-08-21. Review status: no assertion criteria provided. Collection method: clinical testing. Allele origin: germline. Not counted in ClinVar's aggregate classification.
Comment: This variant is classified as benign based on ACMG/AMP sequence variant interpretation guidelines (Richards et al. 2015 PMID: 25741868, with internal and published modifications).

NM_052867.4(NALCN):c.2457-4C>G

Gene: NALCN (sodium leak channel, non-selective; minus strand). Cytogenetic location: 13q33.1.
Variant type: single nucleotide variant.
Coding change: c.2457-4C>G on transcript NM_052867.4 (MANE Select); 4 bases into the intron before coding-DNA position 2457, C replaced by G.
Molecular consequence: intron variant.
Genome position (GRCh38, 1-based): chr13:101,107,613, G>C on the plus strand (C>G on the coding strand, the complement: NALCN is on the minus strand). VCF-style: chr13-101107613-G-C. GRCh37 (hg19) VCF-style: chr13-101759964-G-C.
Other names: c.2370-4C>G (NM_001350751.2, NM_001350750.2); c.2457-4C>G (NM_001350749.2); c.2544-4C>G (NM_001350748.2).
Identifiers: ClinVar variation 262256 (VCV000262256.15), dbSNP rs200652639, ClinGen allele CA7035693.
Genomic context (GRCh38, chr13:101,107,613, plus strand): 5'-AACAGTGGCTTATCGAAGTATGGGTGGTTCTCTCTGAGTTCCTCTTCTTGCACTTTCCTT[G>C]AAGGAGAAATTCATGGGAGAATGAGGCTAAGGGAAATTTTGCCATTCCCGAATGAGAGCC-3'